The following is an entry in ClinVar:

NM_005992.1(TBX1):c.1072A>G (p.Ser358Gly)

Gene: TBX1 (T-box transcription factor 1; plus strand). Cytogenetic location: 22q11.21.
Variant type: single nucleotide variant.
Coding change: c.1072A>G on transcript NM_005992.1; coding-DNA position 1072, A replaced by G.
Protein change: p.Ser358Gly; replaces serine 358 with glycine.
Molecular consequence: missense variant.
Genome position (GRCh38, 1-based): chr22:19,782,975, A>G. VCF-style: chr22-19782975-A-G. GRCh37 (hg19) VCF-style: chr22-19770498-A-G.
Other names: short protein forms S358G.
Identifiers: ClinVar variation 4981142 (VCV004981142.1).

ClinVar aggregate classification (germline): Uncertain significance (1 of 4 stars; one submission).

Conditions:
TBX1-related disorder. Also called: TBX1-related condition; TBX1-Related Disorders.

Submission:

PreventionGenetics, part of Exact Sciences
Classification: Uncertain significance for TBX1-related condition. Last evaluated: 2025-04-17. Review status: criteria provided, single submitter. Criteria: ACMG Guidelines, 2015. Collection method: clinical testing. Allele origin: germline.
Comment: The TBX1 c.1072A>G variant is predicted to result in the amino acid substitution p.Ser358Gly. To our knowledge, this variant has not been reported in the literature. This variant is reported in 0.011% of alleles in individuals of East Asian descent in gnomAD. At this time, the clinical significance of this variant is uncertain due to the absence of conclusive functional and genetic evidence.